The following is an entry in ClinVar:

ClinVar aggregate classification (germline): Uncertain significance (1 of 4 stars; one submission).

gnomAD v4.1: 4 of 1,461,624 alleles (0.00027%); highest among the groups gnomAD compares: Non-Finnish European, 0.00036%; no homozygotes.

Submission:

Labcorp Genetics (formerly Invitae), Labcorp
Classification: Uncertain significance. Last evaluated: 2023-09-30. Review status: criteria provided, single submitter. Criteria: Invitae Variant Classification Sherloc (09022015). Collection method: clinical testing. Allele origin: germline.
Comment: This sequence change replaces arginine, which is basic and polar, with leucine, which is neutral and non-polar, at codon 1323 of the GRIN2D protein (p.Arg1323Leu). This variant is not present in population databases (gnomAD no frequency). This variant has not been reported in the literature in individuals affected with GRIN2D-related conditions. Advanced modeling of protein sequence and biophysical properties (such as structural, functional, and spatial information, amino acid conservation, physicochemical variation, residue mobility, and thermodynamic stability) performed at Invitae indicates that this missense variant is not expected to disrupt GRIN2D protein function. In summary, the available evidence is currently insufficient to determine the role of this variant in disease. Therefore, it has been classified as a Variant of Uncertain Significance.

NM_000836.4(GRIN2D):c.3968G>T (p.Arg1323Leu)

Gene: GRIN2D (glutamate ionotropic receptor NMDA type subunit 2D; plus strand). Cytogenetic location: 19q13.33.
Variant type: single nucleotide variant.
Coding change: c.3968G>T on transcript NM_000836.4 (MANE Select); coding-DNA position 3968, G replaced by T.
Protein change: p.Arg1323Leu; replaces arginine 1323 with leucine.
Molecular consequence: missense variant.
Genome position (GRCh38, 1-based): chr19:48,443,894, G>T. VCF-style: chr19-48443894-G-T. GRCh37 (hg19) VCF-style: chr19-48947151-G-T.
Other names: short protein forms R1323L.
Identifiers: ClinVar variation 2764520 (VCV002764520.3), dbSNP rs747098261, ClinGen allele CA16622125.
Genomic context (GRCh38, chr19:48,443,894, plus strand): 5'-GGGGGCCGCCGCTGCCCACAGCTTCCCACCGGAGACACCGGGGCGGGGACCTGGGCACCC[G>T]CAGGGGCTCGGCGCACTTCTCTAGCCTCGAGTCCGAGGTATGACGCGGCCCCGGGGGCCC-3'
Protein context (NP_000827.2, residues 1313-1333): RRHRGGDLGT[Arg1323Leu]RGSAHFSSLE